The following is an entry in ClinVar:

ClinVar aggregate classification (germline): Conflicting classifications of pathogenicity. Review status: criteria provided, conflicting classifications (1 of 4 stars). 2 submissions from 2 submitters: Likely pathogenic (1); Uncertain significance (1). Last evaluated 2021-06-29.

Conditions:
Hypogonadotropic hypogonadism 2 with or without anosmia (HH2). Also called: FGFR1-Related GnRH Deficiency (Kallmann Syndrome 2); HYPOGONADOTROPIC HYPOGONADISM 2 WITHOUT ANOSMIA; HYPOGONADOTROPIC HYPOGONADISM 2 WITH OR WITHOUT ANOSMIA, SUSCEPTIBILITY TO; HYPOGONADOTROPIC HYPOGONADISM 2 WITHOUT ANOSMIA, SUSCEPTIBILITY TO. Identifiers: Orphanet 478, MedGen C1563720, MONDO:0007844, OMIM 147950. Disease mechanism: loss of function.

Submissions (2):

Centre of Medical Genetics, University Hospital Muenster
Classification: Uncertain significance. Last evaluated: 2021-06-29. Review status: criteria provided, single submitter. Criteria: ACMG Guidelines, 2015. Collection method: clinical testing. Allele origin: unknown. Affected: yes. Observed: 1 variant allele, 1 heterozygote.
Comment: ACMG categories: PM1,PM2,PP3

Institute of Human Genetics Munich, TUM University Hospital
Classification: Likely pathogenic for Hypogonadotropic hypogonadism 2 with or without anosmia. Last evaluated: 2020-11-09. Review status: criteria provided, single submitter. Criteria: Classification criteria August 2017. Collection method: clinical testing. Allele origin: paternal. Inheritance: Autosomal dominant inheritance. Affected: yes. Observed: 1 variant allele.

NM_023110.3(FGFR1):c.287C>G (p.Ser96Cys)

Gene: FGFR1 (fibroblast growth factor receptor 1; minus strand). Cytogenetic location: 8p11.23.
Variant type: single nucleotide variant.
Coding change: c.287C>G on transcript NM_023110.3 (MANE Select); coding-DNA position 287, C replaced by G.
Protein change: p.Ser96Cys; replaces serine 96 with cysteine.
Molecular consequence: missense variant. On other transcripts: intron variant (5).
Genome position (GRCh38, 1-based): chr8:38,429,753, G>C on the plus strand (C>G on the coding strand, the complement: FGFR1 is on the minus strand). VCF-style: chr8-38429753-G-C. GRCh37 (hg19) VCF-style: chr8-38287271-G-C.
Other names: c.287C>G, p.Ser96Cys (NM_000604.2, NM_001174063.2, NM_001174065.2 and 4 more transcripts); c.263C>G, p.Ser88Cys (NM_001174064.2); c.386C>G, p.Ser129Cys (NM_001174067.2); c.92-1318C>G (NM_001354368.2, NM_001354370.2, NM_023106.3 and 2 more transcripts); short protein forms S129C, S88C, S96C.
Identifiers: ClinVar variation 1708284 (VCV001708284.4), dbSNP rs2150958177, ClinGen allele CA370736274.